The following is an entry in ClinVar:

ClinVar aggregate classification (germline): Uncertain significance. Review status: criteria provided, multiple submitters, no conflicts (2 of 4 stars). 3 submissions from 3 submitters: Uncertain significance (3). Last evaluated 2025-05-08.

Conditions:
Inborn genetic diseases. Identifiers: MedGen C0950123, MeSH D030342.

Allele frequency attached by ClinVar (database versions not stated): TOPMed below 0.00001; gnomAD exomes 0.00001 and 0.00003; ExAC 0.00003.
gnomAD v4.1: 15 of 1,613,984 alleles (0.00093%); highest among the groups gnomAD compares: East Asian, 0.011%; no homozygotes.

Submissions (3):

Women's Health and Genetics/Laboratory Corporation of America, LabCorp
Classification: Uncertain significance. Last evaluated: 2025-05-08. Review status: criteria provided, single submitter. Criteria: LabCorp Variant Classification Summary - May 2015. Collection method: clinical testing. Allele origin: germline.
Comment: Variant summary: SLC12A6 c.2611C>T (p.Arg871Cys) results in a non-conservative amino acid change in the encoded protein sequence. Algorithms developed to predict the effect of missense changes on protein structure and function are either unavailable or do not agree on the potential impact of this missense change. The variant allele was found at a frequency of 3.2e-05 in 251210 control chromosomes. The available data on variant occurrences in the general population are insufficient to allow any conclusion about variant significance. To our knowledge, no occurrence of c.2611C>T in individuals affected with Agenesis of the corpus callosum with peripheral neuropathy and no experimental evidence demonstrating its impact on protein function have been reported. ClinVar contains an entry for this variant (Variation ID: 1354620). Based on the evidence outlined above, the variant was classified as uncertain significance.

Labcorp Genetics (formerly Invitae), Labcorp
Classification: Uncertain significance. Last evaluated: 2024-12-02. Review status: criteria provided, single submitter. Criteria: Invitae Variant Classification Sherloc (09022015). Collection method: clinical testing. Allele origin: germline.
Comment: This sequence change replaces arginine, which is basic and polar, with cysteine, which is neutral and slightly polar, at codon 871 of the SLC12A6 protein (p.Arg871Cys). This variant is present in population databases (rs776650634, gnomAD 0.02%). This variant has not been reported in the literature in individuals affected with SLC12A6-related conditions. ClinVar contains an entry for this variant (Variation ID: 1354620). Invitae Evidence Modeling of protein sequence and biophysical properties (such as structural, functional, and spatial information, amino acid conservation, physicochemical variation, residue mobility, and thermodynamic stability) indicates that this missense variant is not expected to disrupt SLC12A6 protein function with a negative predictive value of 80%. In summary, the available evidence is currently insufficient to determine the role of this variant in disease. Therefore, it has been classified as a Variant of Uncertain Significance.

Ambry Genetics
Classification: Uncertain significance for Inborn genetic diseases. Last evaluated: 2022-07-10. Review status: criteria provided, single submitter. Criteria: Ambry Variant Classification Scheme 2023. Collection method: clinical testing. Allele origin: germline.
Comment: The p.R871C variant (also known as c.2611C>T), located in coding exon 19 of the SLC12A6 gene, results from a C to T substitution at nucleotide position 2611. The arginine at codon 871 is replaced by cysteine, an amino acid with highly dissimilar properties. This amino acid position is conserved. In addition, the in silico prediction for this alteration is inconclusive. Since supporting evidence is limited at this time, the clinical significance of this alteration remains unclear.

NM_001365088.1(SLC12A6):c.2611C>T (p.Arg871Cys)

Genes: SLC12A6 (solute carrier family 12 member 6; minus strand), LOC126862097 (P300/CBP strongly-dependent group 1 enhancer GRCh37_chr15:34531007-34532206; plus strand). Cytogenetic location: 15q14.
Variant type: single nucleotide variant.
Coding change: c.2611C>T on transcript NM_001365088.1 (MANE Select); coding-DNA position 2611, C replaced by T.
Protein change: p.Arg871Cys; replaces arginine 871 with cysteine.
Molecular consequence: missense variant.
Genome position (GRCh38, 1-based): chr15:34,238,986, G>A on the plus strand (C>T on the coding strand, the complement: SLC12A6 is on the minus strand). VCF-style: chr15-34238986-G-A. GRCh37 (hg19) VCF-style: chr15-34531187-G-A.
Other names: c.2434C>T, p.Arg812Cys (NM_001042494.2, NM_001042495.2); c.2584C>T, p.Arg862Cys (NM_001042496.2); c.2566C>T, p.Arg856Cys (NM_001042497.2); c.2458C>T, p.Arg820Cys (NM_005135.2); c.2611C>T, p.Arg871Cys (NM_133647.2); short protein forms R871C, R856C, R862C, R812C, R820C.
Identifiers: ClinVar variation 1354620 (VCV001354620.10), dbSNP rs776650634, ClinGen allele CA7464053.